The following is an entry in ClinVar:

NM_001458.5(FLNC):c.6292G>C (p.Val2098Leu)

Genes: FLNC (filamin C; plus strand), FLNC-AS1 (FLNC antisense RNA 1; minus strand). Cytogenetic location: 7q32.1.
Variant type: single nucleotide variant.
Coding change: c.6292G>C on transcript NM_001458.5 (MANE Select); coding-DNA position 6292, G replaced by C.
Protein change: p.Val2098Leu; replaces valine 2098 with leucine.
Molecular consequence: missense variant.
Genome position (GRCh38, 1-based): chr7:128,853,552, G>C. VCF-style: chr7-128853552-G-C. GRCh37 (hg19) VCF-style: chr7-128493606-G-C.
Other names: c.6193G>C, p.Val2065Leu (NM_001127487.2); c.6292G>C (NM_001458.4); short protein forms V2065L, V2098L.
Identifiers: ClinVar variation 1489656 (VCV001489656.8), dbSNP rs2128939110, ClinGen allele CA369212059.

ClinVar aggregate classification (germline): Uncertain significance. Review status: criteria provided, multiple submitters, no conflicts (2 of 4 stars). 2 submissions from 2 submitters: Uncertain significance (2). Last evaluated 2025-07-09.

Conditions:
Myofibrillar myopathy 5. Also called: FILAMINOPATHY, AUTOSOMAL DOMINANT; Filaminopathy (type). Identifiers: Orphanet 171445, MedGen C1836050, MONDO:0012289, OMIM 609524.
Distal myopathy with posterior leg and anterior hand involvement. Also called: WILLIAMS DISTAL MYOPATHY. Identifiers: Orphanet 63273, MedGen C3279722, MONDO:0013550, OMIM 614065.
Hypertrophic cardiomyopathy 26. Also called: Cardiomyopathy, familial hypertrophic, 26. Identifiers: Orphanet 75249, MedGen C4310749, MONDO:0014883, OMIM 617047.
Cardiovascular phenotype. Identifiers: MedGen CN230736.

Submissions (2):

Ambry Genetics
Classification: Uncertain significance for Cardiovascular phenotype. Last evaluated: 2025-07-09. Review status: criteria provided, single submitter. Criteria: Ambry Variant Classification Scheme 2023. Collection method: clinical testing. Allele origin: germline.
Comment: The p.V2098L variant (also known as c.6292G>C), located in coding exon 38 of the FLNC gene, results from a G to C substitution at nucleotide position 6292. The valine at codon 2098 is replaced by leucine, an amino acid with highly similar properties. This amino acid position is conserved. In addition, this alteration is predicted to be deleterious by in silico analysis. Based on the available evidence, the clinical significance of this variant remains unclear.

Labcorp Genetics (formerly Invitae), Labcorp
Classification: Uncertain significance for Distal myopathy with posterior leg and anterior hand involvement; Myofibrillar myopathy 5; Hypertrophic cardiomyopathy 26. Last evaluated: 2021-11-18. Review status: criteria provided, single submitter. Criteria: Invitae Variant Classification Sherloc (09022015). Collection method: clinical testing. Allele origin: germline.
Comment: In summary, the available evidence is currently insufficient to determine the role of this variant in disease. Therefore, it has been classified as a Variant of Uncertain Significance. Algorithms developed to predict the effect of missense changes on protein structure and function are either unavailable or do not agree on the potential impact of this missense change (SIFT: "Deleterious"; PolyPhen-2: "Probably Damaging"; Align-GVGD: "Class C0"). This variant has not been reported in the literature in individuals affected with FLNC-related conditions. This variant is not present in population databases (gnomAD no frequency). This sequence change replaces valine, which is neutral and non-polar, with leucine, which is neutral and non-polar, at codon 2098 of the FLNC protein (p.Val2098Leu).